The following is an entry in ClinVar:

NM_022051.3(EGLN1):c.511G>C (p.Asp171His)

Gene: EGLN1 (egl-9 family hypoxia inducible factor 1; minus strand). Cytogenetic location: 1q42.2.
Variant type: single nucleotide variant.
Coding change: c.511G>C on transcript NM_022051.3 (MANE Select); coding-DNA position 511, G replaced by C.
Protein change: p.Asp171His; replaces aspartic acid 171 with histidine.
Molecular consequence: missense variant.
Genome position (GRCh38, 1-based): chr1:231,421,378, C>G on the plus strand (G>C on the coding strand, the complement: EGLN1 is on the minus strand). VCF-style: chr1-231421378-C-G. GRCh37 (hg19) VCF-style: chr1-231557124-C-G.
Other names: c.511G>C, p.Asp171His (NM_001377260.1, NM_001377261.1); short protein forms D171H.
Identifiers: ClinVar variation 1745470 (VCV001745470.2), dbSNP rs2527359739, ClinGen allele CA345236761.

ClinVar aggregate classification (germline): Uncertain significance (1 of 4 stars; one submission).

Submission:

Ambry Genetics
Classification: Uncertain significance. Last evaluated: 2021-08-24. Review status: criteria provided, single submitter. Criteria: Ambry Variant Classification Scheme 2023. Collection method: clinical testing. Allele origin: germline.
Comment: The p.D171H variant (also known as c.511G>C), located in coding exon 1 of the EGLN1 gene, results from a G to C substitution at nucleotide position 511. The aspartic acid at codon 171 is replaced by histidine, an amino acid with similar properties. This amino acid position is conserved. In addition, this alteration is predicted to be tolerated by in silico analysis. Since supporting evidence is limited at this time, the clinical significance of this alteration remains unclear.